The following is an entry in ClinVar:

NM_182746.3(MCM4):c.1053+5G>A

Gene: MCM4 (minichromosome maintenance complex component 4; plus strand). Cytogenetic location: 8q11.21.
Variant type: single nucleotide variant.
Coding change: c.1053+5G>A on transcript NM_182746.3 (MANE Select); 5 bases into the intron after coding-DNA position 1053, G replaced by A.
Molecular consequence: intron variant.
Genome position (GRCh38, 1-based): chr8:47,966,412, G>A. VCF-style: chr8-47966412-G-A. GRCh37 (hg19) VCF-style: chr8-48878972-G-A.
Other names: c.1053+5G>A (NM_005914.4).
Identifiers: ClinVar variation 3771539 (VCV003771539.13).

ClinVar aggregate classification (germline): Uncertain significance (1 of 4 stars; one submission).

gnomAD v4.1: 6 of 1,601,918 alleles (0.00037%); highest among the groups gnomAD compares: Non-Finnish European, 0.00051%; no homozygotes.

Submission:

CeGaT Center for Human Genetics Tuebingen
Classification: Uncertain significance. Last evaluated: 2025-01-01. Review status: criteria provided, single submitter. Criteria: CeGaT Center For Human Genetics Tuebingen Variant Classification Criteria Version 2. Collection method: clinical testing. Allele origin: germline. Affected: yes. Observed: 1 variant allele.
Comment: MCM4: PM2, PP3